The following is an entry in ClinVar:

NM_024570.4(RNASEH2B):c.520A>G (p.Thr174Ala)

Gene: RNASEH2B (ribonuclease H2 subunit B; plus strand). Cytogenetic location: 13q14.3.
Variant type: single nucleotide variant.
Coding change: c.520A>G on transcript NM_024570.4 (MANE Select); coding-DNA position 520, A replaced by G.
Protein change: p.Thr174Ala; replaces threonine 174 with alanine.
Molecular consequence: missense variant.
Genome position (GRCh38, 1-based): chr13:50,945,436, A>G. VCF-style: chr13-50945436-A-G. GRCh37 (hg19) VCF-style: chr13-51519572-A-G.
Other names: c.520A>G, p.Thr174Ala (NM_001142279.2, NM_001411023.1); short protein forms T174A.
Identifiers: ClinVar variation 2086915 (VCV002086915.4), dbSNP rs1593472446, ClinGen allele CA388259560.

ClinVar aggregate classification (germline): Uncertain significance (1 of 4 stars; one submission).

Conditions:
Aicardi-Goutieres syndrome 2. Identifiers: Orphanet 51, MedGen C3489724, MONDO:0012429, OMIM 610181.

Allele frequency attached by ClinVar (database versions not stated): TOPMed below 0.00001; gnomAD exomes 0.00001.
gnomAD v4.1: 5 of 1,612,354 alleles (0.00031%); highest among the groups gnomAD compares: East Asian, 0.0089%; no homozygotes.

Submission:

Labcorp Genetics (formerly Invitae), Labcorp
Classification: Uncertain significance for Aicardi-Goutieres syndrome 2. Last evaluated: 2022-01-27. Review status: criteria provided, single submitter. Criteria: Invitae Variant Classification Sherloc (09022015). Collection method: clinical testing. Allele origin: germline.
Comment: In summary, the available evidence is currently insufficient to determine the role of this variant in disease. Therefore, it has been classified as a Variant of Uncertain Significance. Algorithms developed to predict the effect of missense changes on protein structure and function (SIFT, PolyPhen-2, Align-GVGD) all suggest that this variant is likely to be tolerated. This variant has not been reported in the literature in individuals affected with RNASEH2B-related conditions. This variant is not present in population databases (gnomAD no frequency). This sequence change replaces threonine, which is neutral and polar, with alanine, which is neutral and non-polar, at codon 174 of the RNASEH2B protein (p.Thr174Ala).